The following is an entry in ClinVar:

ClinVar aggregate classification (germline): Uncertain significance. Review status: criteria provided, multiple submitters, no conflicts (2 of 4 stars). 3 submissions from 3 submitters: Uncertain significance (3). Last evaluated 2025-02-12.

Conditions:
Hereditary cancer-predisposing syndrome. Also called: Neoplastic Syndromes, Hereditary; Hereditary Cancer Syndrome; Hereditary neoplastic syndrome; Tumor predisposition. Identifiers: Orphanet 140162, MedGen C0027672, MeSH D009386, MONDO:0015356.
Neuroblastoma, susceptibility to, 3. Also called: ALK-Related Neuroblastic Tumor Susceptibility. Identifiers: Orphanet 635, MedGen C2751681, MONDO:0013083, OMIM 613014.

Allele frequency attached by ClinVar (database versions not stated): gnomAD 0.00001; gnomAD exomes below 0.00001; TOPMed below 0.00001.
gnomAD v4.1: 2 of 1,613,632 alleles (0.00012%); highest among the groups gnomAD compares: Non-Finnish European, 0.00017%; no homozygotes.

Submissions (3):

Labcorp Genetics (formerly Invitae), Labcorp
Classification: Uncertain significance for Neuroblastoma, susceptibility to, 3. Last evaluated: 2025-02-12. Review status: criteria provided, single submitter. Criteria: Invitae Variant Classification Sherloc (09022015). Collection method: clinical testing. Allele origin: germline.
Comment: This sequence change replaces threonine, which is neutral and polar, with alanine, which is neutral and non-polar, at codon 687 of the ALK protein (p.Thr687Ala). This variant is present in population databases (no rsID available, gnomAD 0.0009%). This variant has not been reported in the literature in individuals affected with ALK-related conditions. ClinVar contains an entry for this variant (Variation ID: 643900). An algorithm developed to predict the effect of missense changes on protein structure and function (PolyPhen-2) suggests that this variant is likely to be disruptive. In summary, the available evidence is currently insufficient to determine the role of this variant in disease. Therefore, it has been classified as a Variant of Uncertain Significance.

Ambry Genetics
Classification: Uncertain significance for Hereditary cancer-predisposing syndrome. Last evaluated: 2025-01-31. Review status: criteria provided, single submitter. Criteria: Ambry Variant Classification Scheme 2023. Collection method: clinical testing. Allele origin: germline.
Comment: The p.T687A variant (also known as c.2059A>G), located in coding exon 12 of the ALK gene, results from an A to G substitution at nucleotide position 2059. The threonine at codon 687 is replaced by alanine, an amino acid with similar properties. This amino acid position is well conserved in available vertebrate species. In addition, the in silico prediction for this alteration is inconclusive. Since supporting evidence is limited at this time, the clinical significance of this alteration remains unclear.

Fulgent Genetics
Classification: Uncertain significance for Neuroblastoma, susceptibility to, 3. Last evaluated: 2024-01-09. Review status: criteria provided, single submitter. Criteria: ACMG Guidelines, 2015. Collection method: clinical testing. Allele origin: germline.

NM_004304.5(ALK):c.2059A>G (p.Thr687Ala)

Gene: ALK (ALK receptor tyrosine kinase; minus strand). Cytogenetic location: 2p23.2.
Variant type: single nucleotide variant.
Coding change: c.2059A>G on transcript NM_004304.5 (MANE Select); coding-DNA position 2059, A replaced by G.
Protein change: p.Thr687Ala; replaces threonine 687 with alanine.
Molecular consequence: missense variant.
Genome position (GRCh38, 1-based): chr2:29,251,250, T>C on the plus strand (A>G on the coding strand, the complement: ALK is on the minus strand). VCF-style: chr2-29251250-T-C. GRCh37 (hg19) VCF-style: chr2-29474116-T-C.
Other names: short protein forms T687A.
Identifiers: ClinVar variation 643900 (VCV000643900.13), dbSNP rs1465724413, ClinGen allele CA346477197.